The following is an entry in ClinVar:

NM_020366.4(RPGRIP1):c.2821C>G (p.Gln941Glu)

Gene: RPGRIP1 (RPGR interacting protein 1; plus strand). Cytogenetic location: 14q11.2.
Variant type: single nucleotide variant.
Coding change: c.2821C>G on transcript NM_020366.4 (MANE Select); coding-DNA position 2821, C replaced by G.
Protein change: p.Gln941Glu; replaces glutamine 941 with glutamic acid.
Molecular consequence: missense variant.
Genome position (GRCh38, 1-based): chr14:21,327,733, C>G. VCF-style: chr14-21327733-C-G. GRCh37 (hg19) VCF-style: chr14-21795892-C-G.
Other names: c.799C>G, p.Gln267Glu (NM_001377523.1, NM_001377950.1); c.1747C>G, p.Gln583Glu (NM_001377948.1); c.907C>G, p.Gln303Glu (NM_001377949.1); c.301C>G, p.Gln101Glu (NM_001377951.1); short protein forms Q941E, Q303E, Q101E, Q267E, Q583E.
Identifiers: ClinVar variation 1374303 (VCV001374303.6), dbSNP rs2139246200, ClinGen allele CA388870685.

ClinVar aggregate classification (germline): Uncertain significance (1 of 4 stars; one submission).

Conditions:
Cone-rod dystrophy 13 (CORD13). Identifiers: Orphanet 1872, MedGen C2750720, MONDO:0011987, OMIM 608194.
Leber congenital amaurosis 6 (LCA6). Identifiers: Orphanet 65, MedGen C1854260, MONDO:0013446, OMIM 613826.

Allele frequency attached by ClinVar (database versions not stated): gnomAD exomes below 0.00001.
gnomAD v4.1: 1 of 1,613,876 alleles (0.000062%); highest among the groups gnomAD compares: Non-Finnish European, 0.000085%; no homozygotes.

Submission:

Labcorp Genetics (formerly Invitae), Labcorp
Classification: Uncertain significance for Leber congenital amaurosis 6; Cone-rod dystrophy 13. Last evaluated: 2022-08-09. Review status: criteria provided, single submitter. Criteria: Invitae Variant Classification Sherloc (09022015). Collection method: clinical testing. Allele origin: germline.
Comment: This sequence change replaces glutamine, which is neutral and polar, with glutamic acid, which is acidic and polar, at codon 941 of the RPGRIP1 protein (p.Gln941Glu). In summary, the available evidence is currently insufficient to determine the role of this variant in disease. Therefore, it has been classified as a Variant of Uncertain Significance. Algorithms developed to predict the effect of missense changes on protein structure and function output the following: SIFT: "Tolerated"; PolyPhen-2: "Benign"; Align-GVGD: "Class C0". The glutamic acid amino acid residue is found in multiple mammalian species, which suggests that this missense change does not adversely affect protein function. ClinVar contains an entry for this variant (Variation ID: 1374303). This variant has not been reported in the literature in individuals affected with RPGRIP1-related conditions. This variant is not present in population databases (gnomAD no frequency).